The following is an entry in ClinVar:

NM_018718.3(CEP41):c.362G>C (p.Ser121Thr)

Gene: CEP41 (centrosomal protein 41; minus strand). Cytogenetic location: 7q32.2.
Variant type: single nucleotide variant.
Coding change: c.362G>C on transcript NM_018718.3 (MANE Select); coding-DNA position 362, G replaced by C.
Protein change: p.Ser121Thr; replaces serine 121 with threonine.
Molecular consequence: missense variant.
Genome position (GRCh38, 1-based): chr7:130,404,624, C>G on the plus strand (G>C on the coding strand, the complement: CEP41 is on the minus strand). VCF-style: chr7-130404624-C-G. GRCh37 (hg19) VCF-style: chr7-130044465-C-G.
Other names: c.362G>C, p.Ser121Thr (NM_001257158.2); c.314G>C, p.Ser105Thr (NM_001257159.2); short protein forms S105T, S121T.
Identifiers: ClinVar variation 1369033 (VCV001369033.6), dbSNP rs782508627, ClinGen allele CA369289285.
Genomic context (GRCh38, chr7:130,404,624, plus strand): 5'-CTCTGAAGAGTTGAGCGGCTGGAGTCCCCTGCTCCTGCGTTGTTTATGAACTGCTCAGGG[C>G]TCGGCGACTGCTCACCTGGATTTCCTTTCCCATTGGTCCTGGCAGTGGTTTCAGCATCAG-3'
Protein context (NP_061188.1, residues 111-131): GKGNPGEQSP[Ser121Thr]PEQFINNAGA

ClinVar aggregate classification (germline): Uncertain significance (1 of 4 stars; one submission).

Conditions:
Joubert syndrome 15 (JBTS15). Identifiers: Orphanet 475, MedGen C3280897, MONDO:0013763, OMIM 614464.

gnomAD v4.1: 1 of 1,613,752 alleles (0.000062%); highest among the groups gnomAD compares: Non-Finnish European, 0.000085%; no homozygotes.

Submission:

Labcorp Genetics (formerly Invitae), Labcorp
Classification: Uncertain significance for Joubert syndrome 15. Last evaluated: 2021-08-19. Review status: criteria provided, single submitter. Criteria: Invitae Variant Classification Sherloc (09022015). Collection method: clinical testing. Allele origin: germline.
Comment: This sequence change replaces serine with threonine at codon 121 of the CEP41 protein (p.Ser121Thr). The serine residue is highly conserved and there is a small physicochemical difference between serine and threonine. This variant is not present in population databases (ExAC no frequency). This variant has not been reported in the literature in individuals affected with CEP41-related conditions. Algorithms developed to predict the effect of missense changes on protein structure and function are either unavailable or do not agree on the potential impact of this missense change (SIFT: "Deleterious"; PolyPhen-2: "Benign"; Align-GVGD: "Class C0"). In summary, the available evidence is currently insufficient to determine the role of this variant in disease. Therefore, it has been classified as a Variant of Uncertain Significance.